The following is an entry in ClinVar:

ClinVar aggregate classification (germline): Uncertain significance (1 of 4 stars; one submission).

Conditions:
Leigh syndrome (NULS). Also called: Leigh's necrotizing encephalopathy; Leigh's disease; Leigh Syndrome (mtDNA deletion); Leigh Disease; Subacute necrotizing encephalopathy; Necrotizing encephalopathy infantile subacute of Leigh. Identifiers: Orphanet 506, MedGen C2931891, MONDO:0009723, OMIM 256000.

Submission:

Wong Mito Lab, Molecular and Human Genetics, Baylor College of Medicine
Classification: Uncertain significance for Leigh syndrome. Last evaluated: 2019-10-17. Review status: criteria provided, single submitter. Criteria: Modified ACMG Guidelines (Unpublished). Collection method: clinical testing. Allele origin: germline.
Comment: The NC_012920.1:m.10686G>A (YP_003024034.1:p.Val73Met) variant in MTND4L gene is interpretated to be a Uncertain Significance variant based on the modified ACMG guidelines (unpublished). This variant meets the following evidence codes: no criteria

NC_012920.1(MT-ND4L):m.10686G>A

Gene: MT-ND4L (mitochondrially encoded NADH dehydrogenase 4L; plus strand).
Variant type: single nucleotide variant.
Genome position: chrM-10686-G-A.
Identifiers: ClinVar variation 693311 (VCV000693311.1), dbSNP rs1603222946, ClinGen allele CA414806395.